The following is an entry in ClinVar:

ClinVar aggregate classification (germline): Uncertain significance. Review status: criteria provided, multiple submitters, no conflicts (2 of 4 stars). 3 submissions from 3 submitters: Uncertain significance (3). Last evaluated 2025-11-25.

Conditions:
EPB41-related disorder. Also called: EPB41-related condition.
Elliptocytosis 1 (EL1). Also called: PROTEIN 4.1 OF ERYTHROCYTE MEMBRANE, DEFECT OF; 4.1- TRAIT; 4.1-MINUS TRAIT; ELLIPTOCYTOSIS, RHESUS-LINKED TYPE. Identifiers: Orphanet 288, MedGen C2678497, MONDO:0012731, OMIM 611804.

Allele frequency attached by ClinVar (database versions not stated): ESP Exome Variant Server 0.00023; TOPMed 0.00032; 1000 Genomes Project 30x 0.00047; 1000 Genomes Project 0.00060; ExAC 0.00007.
gnomAD v4.1: 78 of 1,614,088 alleles (0.0048%); highest among the groups gnomAD compares: African/African-American, 0.099%; no homozygotes.

Submissions (3):

Labcorp Genetics (formerly Invitae), Labcorp
Classification: Uncertain significance. Last evaluated: 2025-11-25. Review status: criteria provided, single submitter. Criteria: Invitae Variant Classification Sherloc (09022015). Collection method: clinical testing. Allele origin: germline.
Comment: The EPB41 gene has multiple clinically relevant transcripts. This variant occurs in alternate transcript NM_001166005.1, and corresponds to NM_004437.3:c.-355T>A in the primary transcript. This sequence change replaces phenylalanine, which is neutral and non-polar, with tyrosine, which is neutral and polar, at codon 118 of the EPB41 protein (p.Phe118Tyr). This variant is present in population databases (rs140065972, gnomAD 0.1%). This variant has not been reported in the literature in individuals affected with EPB41-related conditions. ClinVar contains an entry for this variant (Variation ID: 2920823). Experimental studies and prediction algorithms are not available or were not evaluated, and the functional significance of this variant is currently unknown. In summary, the available evidence is currently insufficient to determine the role of this variant in disease. Therefore, it has been classified as a Variant of Uncertain Significance.

PreventionGenetics, part of Exact Sciences
Classification: Uncertain significance for EPB41-related condition. Last evaluated: 2025-11-04. Review status: criteria provided, single submitter. Criteria: ACMG Guidelines, 2015. Collection method: clinical testing. Allele origin: germline.
Comment: The EPB41 c.353T>A variant is predicted to result in the amino acid substitution p.Phe118Tyr. To our knowledge, this variant has not been reported in the literature. This variant is reported in 0.10% of alleles in individuals of African descent in gnomAD. Although we suspect that this variant may be benign, at this time, the clinical significance of this variant is uncertain due to the absence of conclusive functional and genetic evidence.

ARUP Laboratories, Molecular Genetics and Genomics, ARUP Laboratories
Classification: Uncertain significance for Elliptocytosis 1. Last evaluated: 2023-08-31. Review status: criteria provided, single submitter. Criteria: ARUP Molecular Germline Variant Investigation Process 2024. Collection method: clinical testing. Allele origin: germline.

NM_001376013.1(EPB41):c.353T>A (p.Phe118Tyr)

Gene: EPB41 (erythrocyte membrane protein band 4.1; plus strand). Cytogenetic location: 1p35.3.
Variant type: single nucleotide variant.
Coding change: c.353T>A on transcript NM_001376013.1 (MANE Select); coding-DNA position 353, T replaced by A.
Protein change: p.Phe118Tyr; replaces phenylalanine 118 with tyrosine.
Molecular consequence: missense variant. On other transcripts: 5 prime UTR variant (10).
Genome position (GRCh38, 1-based): chr1:28,987,790, T>A. VCF-style: chr1-28987790-T-A. GRCh37 (hg19) VCF-style: chr1-29314302-T-A.
Other names: c.353T>A, p.Phe118Tyr (NM_001376017.1, NM_001376018.1, NM_001376019.1 and 8 more transcripts); c.-275T>A (NM_001376022.1, NM_001376023.1, NM_001376024.1 and 5 more transcripts); c.353T>A (NM_001166005.1); c.-355T>A (NM_004437.4, NM_203342.3); short protein forms F118Y.
Identifiers: ClinVar variation 2920823 (VCV002920823.3), dbSNP rs140065972, ClinGen allele CA724205.